The following is an entry in ClinVar:

NM_014679.5(CEP57):c.547C>A (p.Gln183Lys)

Gene: CEP57 (centrosomal protein 57; plus strand). Cytogenetic location: 11q21.
Variant type: single nucleotide variant.
Coding change: c.547C>A on transcript NM_014679.5 (MANE Select); coding-DNA position 547, C replaced by A.
Protein change: p.Gln183Lys; replaces glutamine 183 with lysine.
Molecular consequence: missense variant.
Genome position (GRCh38, 1-based): chr11:95,817,829, C>A. VCF-style: chr11-95817829-C-A. GRCh37 (hg19) VCF-style: chr11-95550993-C-A.
Other names: c.520C>A, p.Gln174Lys (NM_001243776.2); c.547C>A, p.Gln183Lys (NM_001243777.2); c.466C>A, p.Gln156Lys (NM_001363604.2); short protein forms Q156K, Q174K, Q183K.
Identifiers: ClinVar variation 4000982 (VCV004000982.1).

ClinVar aggregate classification (germline): Uncertain significance (1 of 4 stars; one submission).

Conditions:
Inborn genetic diseases. Identifiers: MedGen C0950123, MeSH D030342.

Submission:

Ambry Genetics
Classification: Uncertain significance for Inborn genetic diseases. Last evaluated: 2025-03-25. Review status: criteria provided, single submitter. Criteria: Ambry Variant Classification Scheme 2023. Collection method: clinical testing. Allele origin: germline.
Comment: The p.Q183K variant (also known as c.547C>A), located in coding exon 5 of the CEP57 gene, results from a C to A substitution at nucleotide position 547. The glutamine at codon 183 is replaced by lysine, an amino acid with similar properties. This amino acid position is conserved. In addition, this alteration is predicted to be tolerated by in silico analysis. Based on the available evidence, the clinical significance of this variant remains unclear.